The following is an entry in ClinVar:

NM_001142800.2(EYS):c.6645G>T (p.Gly2215=)

Gene: EYS (EGF-like photoreceptor maintenance factor; minus strand). Cytogenetic location: 6q12.
Variant type: single nucleotide variant.
Coding change: c.6645G>T on transcript NM_001142800.2 (MANE Select); coding-DNA position 6645, G replaced by T.
Protein change: p.Gly2215=; no amino-acid change (glycine 2215 retained).
Molecular consequence: synonymous variant.
Genome position (GRCh38, 1-based): chr6:64,066,418, C>A on the plus strand (G>T on the coding strand, the complement: EYS is on the minus strand). VCF-style: chr6-64066418-C-A. GRCh37 (hg19) VCF-style: chr6-64776311-C-A.
Other names: c.6645G>T, p.Gly2215= (NM_001292009.2).
Identifiers: ClinVar variation 740017 (VCV000740017.13), dbSNP rs376974348, ClinGen allele CA3876891.

ClinVar aggregate classification (germline): Likely benign. Review status: criteria provided, multiple submitters, no conflicts (2 of 4 stars). 3 submissions from 3 submitters: Likely benign (3). Last evaluated 2025-09-24.

Conditions:
EYS-related disorder. Also called: EYS-related condition.

Allele frequency attached by ClinVar (database versions not stated): ExAC 0.00023; 1000 Genomes Project 30x 0.00031; 1000 Genomes Project 0.00040; gnomAD 0.00047 and 0.00050; TOPMed 0.00053; ESP Exome Variant Server 0.00066.
gnomAD v4.1: 147 of 1,549,810 alleles (0.0095%); highest among the groups gnomAD compares: Admixed American, 0.11%; 1 homozygote.

Submissions (3):

Labcorp Genetics (formerly Invitae), Labcorp
Classification: Likely benign. Last evaluated: 2025-09-24. Review status: criteria provided, single submitter. Criteria: Invitae Variant Classification Sherloc (09022015). Collection method: clinical testing. Allele origin: germline.

PreventionGenetics, part of Exact Sciences
Classification: Likely benign for EYS-related condition. Last evaluated: 2025-09-10. Review status: criteria provided, single submitter. Criteria: ACMG Guidelines, 2015. Collection method: clinical testing. Allele origin: germline.
Comment: This variant is classified as likely benign based on ACMG/AMP sequence variant interpretation guidelines (Richards et al. 2015 PMID: 25741868, with internal and published modifications).

Blueprint Genetics
Classification: Likely benign. Last evaluated: 2023-06-28. Review status: criteria provided, single submitter. Criteria: ACMG Guidelines, 2015. Collection method: clinical testing. Allele origin: germline.